The following is an entry in ClinVar:

NM_002474.3(MYH11):c.5124C>T (p.Leu1708=)

Genes: NDE1 (nudE neurodevelopment protein 1; plus strand), MYH11 (myosin heavy chain 11; minus strand). Cytogenetic location: 16p13.11.
Variant type: single nucleotide variant.
Coding change: c.5124C>T on transcript NM_002474.3 (MANE Select); coding-DNA position 5124, C replaced by T.
Protein change: p.Leu1708=; no amino-acid change (leucine 1708 retained).
Molecular consequence: synonymous variant. On other transcripts: intron variant (2).
Genome position (GRCh38, 1-based): chr16:15,719,267, G>A on the plus strand (C>T on the coding strand, the complement: MYH11 is on the minus strand). VCF-style: chr16-15719267-G-A. GRCh37 (hg19) VCF-style: chr16-15813124-G-A.
Other names: c.5145C>T, p.Leu1715= (NM_001040113.2, NM_001040114.2); c.5124C>T, p.Leu1708= (NM_022844.3); c.948-4924G>A (NM_001143979.2, NM_017668.3); c.5124C>T (NM_002474.2).
Identifiers: ClinVar variation 1171124 (VCV001171124.12), dbSNP rs777163903, ClinGen allele CA7921410.

ClinVar aggregate classification (germline): Likely benign. Review status: criteria provided, multiple submitters, no conflicts (2 of 4 stars). 4 submissions from 4 submitters: Likely benign (4). Last evaluated 2025-11-03.

Conditions:
Aortic aneurysm, familial thoracic 4 (AAT4). Also called: AORTIC ANEURYSM/AORTIC DISSECTION AND PATENT DUCTUS ARTERIOSUS. Identifiers: MedGen C1851504, MONDO:0007568, OMIM 132900.
Familial thoracic aortic aneurysm and aortic dissection (TAAD). Also called: Thoracic aortic aneurysms and dissections. Identifiers: Orphanet 91387, MedGen C4707243, MONDO:0019625.

Allele frequency attached by ClinVar (database versions not stated): ExAC 0.00001; gnomAD 0.00001; gnomAD exomes 0.00001; TOPMed 0.00002.
gnomAD v4.1: 20 of 1,613,064 alleles (0.0012%); highest among the groups gnomAD compares: Admixed American, 0.0083%; no homozygotes.

Submissions (4):

Labcorp Genetics (formerly Invitae), Labcorp
Classification: Likely benign for Aortic aneurysm, familial thoracic 4. Last evaluated: 2025-11-03. Review status: criteria provided, single submitter. Criteria: Invitae Variant Classification Sherloc (09022015). Collection method: clinical testing. Allele origin: germline.

Ambry Genetics
Classification: Likely benign for Familial thoracic aortic aneurysm and aortic dissection. Last evaluated: 2025-06-15. Review status: criteria provided, single submitter. Criteria: Ambry Variant Classification Scheme 2023. Collection method: clinical testing. Allele origin: germline.

All of Us Research Program, National Institutes of Health
Classification: Likely benign for Familial thoracic aortic aneurysm and aortic dissection. Last evaluated: 2024-02-05. Review status: criteria provided, single submitter. Criteria: ACMG Guidelines, 2015. Collection method: clinical testing. Allele origin: germline. Inheritance: Autosomal dominant inheritance. Observed: 8 variant alleles, 8 heterozygotes.
Comment: This study involves interpretation of variants in research participants for the purpose of population health screening. Participant phenotype was not available at the time of variant classification. Additional details can be found in publication PMID: 35346344, PMCID: PMC8962531

Color Diagnostics, LLC DBA Color Health
Classification: Likely benign for Familial thoracic aortic aneurysm and aortic dissection. Last evaluated: 2020-10-06. Review status: criteria provided, single submitter. Criteria: ACMG Guidelines, 2015. Collection method: clinical testing. Allele origin: germline.